The following is an entry in ClinVar:

NM_001278116.2(L1CAM):c.1832G>A (p.Ser611Asn)

Gene: L1CAM (L1 cell adhesion molecule; minus strand). Cytogenetic location: Xq28.
Variant type: single nucleotide variant.
Coding change: c.1832G>A on transcript NM_001278116.2 (MANE Select); coding-DNA position 1832, G replaced by A.
Protein change: p.Ser611Asn; replaces serine 611 with asparagine.
Molecular consequence: missense variant.
Genome position (GRCh38, 1-based): chrX:153,867,907, C>T on the plus strand (G>A on the coding strand, the complement: L1CAM is on the minus strand). VCF-style: chrX-153867907-C-T. GRCh37 (hg19) VCF-style: chrX-153133362-C-T.
Other names: c.1832G>A, p.Ser611Asn (NM_000425.5, NM_024003.3); c.1817G>A, p.Ser606Asn (NM_001143963.2); short protein forms S606N, S611N.
Identifiers: ClinVar variation 3773962 (VCV003773962.1).

ClinVar aggregate classification (germline): Uncertain significance (1 of 4 stars; one submission).

Submission:

GeneDx
Classification: Uncertain significance. Last evaluated: 2024-09-23. Review status: criteria provided, single submitter. Criteria: GeneDx Variant Classification Process June 2021. Collection method: clinical testing. Allele origin: germline. Affected: yes.
Comment: Not observed at significant frequency in large population cohorts (gnomAD); In silico analysis indicates that this missense variant does not alter protein structure/function; Has not been previously published as pathogenic or benign to our knowledge